The following is an entry in ClinVar:

NM_144999.4(LRRC45):c.1273A>C (p.Ser425Arg)

Gene: LRRC45 (leucine rich repeat containing 45; plus strand). Cytogenetic location: 17q25.3.
Variant type: single nucleotide variant.
Coding change: c.1273A>C on transcript NM_144999.4 (MANE Select); coding-DNA position 1273, A replaced by C.
Protein change: p.Ser425Arg; replaces serine 425 with arginine.
Molecular consequence: missense variant.
Genome position (GRCh38, 1-based): chr17:82,028,648, A>C. VCF-style: chr17-82028648-A-C. GRCh37 (hg19) VCF-style: chr17-79986524-A-C.
Other names: short protein forms S425R.
Identifiers: ClinVar variation 5001666 (VCV005001666.1).

ClinVar aggregate classification (germline): Uncertain significance (1 of 4 stars; one submission).

Conditions:
LRRC45-related disorder. Also called: LRRC45-related condition.

gnomAD v4.1: 1 of 1,612,956 alleles (0.000062%); no homozygotes.

Submission:

PreventionGenetics, part of Exact Sciences
Classification: Uncertain significance for LRRC45-related condition. Last evaluated: 2024-12-13. Review status: criteria provided, single submitter. Criteria: ACMG Guidelines, 2015. Collection method: clinical testing. Allele origin: germline.
Comment: The LRRC45 c.1273A>C variant is predicted to result in the amino acid substitution p.Ser425Arg. To our knowledge, this variant has not been reported in the literature or in a large population database (gnomAD), indicating this variant is rare. At this time, the clinical significance of this variant is uncertain due to the absence of conclusive functional and genetic evidence.